The following is an entry in ClinVar:

ClinVar aggregate classification (germline): Uncertain significance. Review status: criteria provided, single submitter (1 of 4 stars). 3 submissions from 3 submitters: Uncertain significance (1). 2 of the submissions do not count toward it. Last evaluated 2024-11-04.

Conditions:
Anauxetic dysplasia. Identifiers: Orphanet 93347, MedGen C1846796, MONDO:0011773.
Metaphyseal chondrodysplasia, McKusick type (CHH). Also called: Cartilage-hair hypoplasia; Cartilage-Hair Hypoplasia (CHH). Identifiers: Orphanet 175, MedGen C0220748, MONDO:0009595, OMIM 250250.

Submissions (3):

Labcorp Genetics (formerly Invitae), Labcorp
Classification: Uncertain significance for Anauxetic dysplasia. Last evaluated: 2024-11-04. Review status: criteria provided, single submitter. Criteria: Invitae Variant Classification Sherloc (09022015). Collection method: clinical testing. Allele origin: germline.
Comment: This variant occurs in the RMRP gene, which encodes an RNA molecule that does not result in a protein product. This variant is not present in population databases (gnomAD no frequency). This variant has not been reported in the literature in individuals affected with RMRP-related conditions. ClinVar contains an entry for this variant (Variation ID: 551162). Experimental studies and prediction algorithms are not available or were not evaluated, and the functional significance of this variant is currently unknown. In summary, the available evidence is currently insufficient to determine the role of this variant in disease. Therefore, it has been classified as a Variant of Uncertain Significance.

Natera, Inc.
Classification: Uncertain significance for Cartilage-hair hypoplasia. Last evaluated: 2019-11-11. Review status: no assertion criteria provided. Collection method: clinical testing. Allele origin: germline. Not counted in ClinVar's aggregate classification.

Counsyl
Classification: Uncertain significance for Metaphyseal chondrodysplasia, McKusick type. Last evaluated: 2017-03-17. Review status: no assertion criteria provided. Collection method: clinical testing. Allele origin: unknown. Not counted in ClinVar's aggregate classification.

NR_003051.3(RMRP):n.-18_-17dup

Gene: RMRP (RNA component of mitochondrial RNA processing endoribonuclease; minus strand). Cytogenetic location: 9p13.3.
Variant type: Microsatellite.
Genome position: GRCh38 VCF-style: chr9-35658034-C-CAG. GRCh37 (hg19) VCF-style: chr9-35658031-C-CAG.
Identifiers: ClinVar variation 551162 (VCV000551162.13), dbSNP rs1554651536, ClinGen allele CA658821616.
Genomic context (GRCh38, chr9:35,658,034, plus strand): 5'-GAGTCCTCAGTGTGTAGCCTAGGATACAGGCCTTCAGCACGAACCACGTCCTCAGCTTCA[C>CAG]AGAGTAGTATTTTATAGCCCTAAAGAAATTGTGTTTTATGATTAGGGTGAGAAAGTTGGT-3'